The following is an entry in ClinVar:

NM_001165963.4(SCN1A):c.5343C>G (p.Tyr1781Ter)

Genes: SCN1A (sodium voltage-gated channel alpha subunit 1; minus strand), LOC102724058 (uncharacterized LOC102724058; plus strand). Cytogenetic location: 2q24.3.
Variant type: single nucleotide variant.
Coding change: c.5343C>G on transcript NM_001165963.4 (MANE Select); coding-DNA position 5343, C replaced by G.
Protein change: p.Tyr1781Ter; replaces tyrosine 1781 with a stop codon.
Molecular consequence: nonsense. On other transcripts: non-coding transcript variant (1).
Genome position (GRCh38, 1-based): chr2:165,991,932, G>C on the plus strand (C>G on the coding strand, the complement: SCN1A is on the minus strand). VCF-style: chr2-165991932-G-C. GRCh37 (hg19) VCF-style: chr2-166848442-G-C.
Other names: c.5259C>G, p.Tyr1753Ter (NM_001165964.3, NM_001353957.2, NM_001353958.2); c.5343C>G, p.Tyr1781Ter (NM_001202435.3, NM_001353948.2); c.5310C>G, p.Tyr1770Ter (NM_001353949.2, NM_001353950.2, NM_001353952.2 and 2 more transcripts); c.5307C>G, p.Tyr1769Ter (NM_001353954.2, NM_001353955.2); c.5256C>G, p.Tyr1752Ter (NM_001353960.2); c.2901C>G, p.Tyr967Ter (NM_001353961.2); short protein forms Y1752*, Y1753*, Y1769*, Y1770*, Y1781*, Y967*.
Identifiers: ClinVar variation 4819944 (VCV004819944.1).

ClinVar aggregate classification (germline): Pathogenic (1 of 4 stars; one submission).

Conditions:
Generalized epilepsy with febrile seizures plus, type 2 (GEFSP2). Also called: GEFS+, TYPE 2. Identifiers: Orphanet 36387, MedGen C1858673, MONDO:0011461, OMIM 604403.

Submission:

Women's Health and Genetics/Laboratory Corporation of America, LabCorp
Classification: Pathogenic for Generalized epilepsy with febrile seizures plus, type 2. Last evaluated: 2026-01-20. Review status: criteria provided, single submitter. Criteria: LabCorp Variant Classification Summary - May 2015. Collection method: clinical testing. Allele origin: germline.
Comment: Variant summary: SCN1A c.5343C>G (p.Tyr1781X) results in a premature termination codon, predicted to cause a truncation of the encoded protein. It is not expected to cause nonsense mediated decay, although downstream truncating variants have been classified as pathogenic by our lab. The variant was absent in 251138 control chromosomes (gnomAD). To our knowledge, no occurrence of c.5343C>G in individuals affected with SCN1A-related conditions and no experimental evidence demonstrating its impact on protein function have been reported. No submitters have cited clinical-significance assessments for this variant to ClinVar. Based on the evidence outlined above, the variant was classified as pathogenic.